The following is an entry in ClinVar:

ClinVar aggregate classification (germline): Uncertain significance (1 of 4 stars; one submission).

Submission:

Women's Health and Genetics/Laboratory Corporation of America, LabCorp
Classification: Uncertain significance. Last evaluated: 2024-10-16. Review status: criteria provided, single submitter. Criteria: LabCorp Variant Classification Summary - May 2015. Collection method: clinical testing. Allele origin: germline.
Comment: Variant summary: PHIP c.488G>A (p.Arg163Gln) results in a conservative amino acid change in the encoded protein sequence. Four of five in-silico tools predict a benign effect of the variant on protein function. The variant allele was found at a frequency of 4e-06 in 250012 control chromosomes (gnomAD). The available data on variant occurrences in the general population are insufficient to allow any conclusion about variant significance. To our knowledge, no occurrence of c.488G>A in individuals affected with Developmental Delay, Intellectual Disability, Obesity, And Dysmorphic Features and no experimental evidence demonstrating its impact on protein function have been reported. No submitters have cited clinical-significance assessments for this variant to ClinVar. Based on the evidence outlined above, the variant was classified as uncertain significance.

NM_017934.7(PHIP):c.488G>A (p.Arg163Gln)

Gene: PHIP (pleckstrin homology domain interacting protein; minus strand). Cytogenetic location: 6q14.1.
Variant type: single nucleotide variant.
Coding change: c.488G>A on transcript NM_017934.7 (MANE Select); coding-DNA position 488, G replaced by A.
Protein change: p.Arg163Gln; replaces arginine 163 with glutamine.
Molecular consequence: missense variant.
Genome position (GRCh38, 1-based): chr6:79,042,955, C>T on the plus strand (G>A on the coding strand, the complement: PHIP is on the minus strand). VCF-style: chr6-79042955-C-T. GRCh37 (hg19) VCF-style: chr6-79752672-C-T.
Other names: short protein forms R163Q.
Identifiers: ClinVar variation 3385270 (VCV003385270.1).